The following is an entry in ClinVar:

ClinVar aggregate classification (germline): Uncertain significance (1 of 4 stars; one submission).

Conditions:
Anterior segment dysgenesis 7 (ASGD7). Also called: SCLEROCORNEA WITH OTHER OCULAR ANOMALIES; Anterior segment dysgenesis 7, with sclerocornea. Identifiers: Orphanet 289499, MedGen C3151617, MONDO:0010015, OMIM 269400.

Allele frequency attached by ClinVar (database versions not stated): TOPMed below 0.00001; ExAC 0.00001; gnomAD exomes 0.00001 and 0.00002.
gnomAD v4.1: 26 of 1,613,758 alleles (0.0016%); highest among the groups gnomAD compares: East Asian, 0.0022%; no homozygotes.

Submission:

Labcorp Genetics (formerly Invitae), Labcorp
Classification: Uncertain significance for Anterior segment dysgenesis 7. Last evaluated: 2021-04-08. Review status: criteria provided, single submitter. Criteria: Invitae Variant Classification Sherloc (09022015). Collection method: clinical testing. Allele origin: germline.
Comment: In summary, the available evidence is currently insufficient to determine the role of this variant in disease. Therefore, it has been classified as a Variant of Uncertain Significance. Algorithms developed to predict the effect of missense changes on protein structure and function (SIFT, PolyPhen-2, Align-GVGD) all suggest that this variant is likely to be tolerated, but these predictions have not been confirmed by published functional studies and their clinical significance is uncertain. This variant has not been reported in the literature in individuals with PXDN-related conditions. This variant is present in population databases (rs770134392, ExAC 0.009%). This sequence change replaces valine with methionine at codon 629 of the PXDN protein (p.Val629Met). The valine residue is moderately conserved and there is a small physicochemical difference between valine and methionine.

NM_012293.3(PXDN):c.1885G>A (p.Val629Met)

Gene: PXDN (peroxidasin; minus strand). Cytogenetic location: 2p25.3.
Variant type: single nucleotide variant.
Coding change: c.1885G>A on transcript NM_012293.3 (MANE Select); coding-DNA position 1885, G replaced by A.
Protein change: p.Val629Met; replaces valine 629 with methionine.
Molecular consequence: missense variant.
Genome position (GRCh38, 1-based): chr2:1,654,461, C>T on the plus strand (G>A on the coding strand, the complement: PXDN is on the minus strand). VCF-style: chr2-1654461-C-T. GRCh37 (hg19) VCF-style: chr2-1658233-C-T.
Other names: short protein forms V629M.
Identifiers: ClinVar variation 1397886 (VCV001397886.8), dbSNP rs770134392, ClinGen allele CA1513157.